The following is an entry in ClinVar:

ClinVar aggregate classification (germline): Likely benign. Review status: criteria provided, multiple submitters, no conflicts (2 of 4 stars). 2 submissions from 2 submitters: Likely benign (2). Last evaluated 2018-06-14.

Allele frequency attached by ClinVar (database versions not stated): 1000 Genomes Project 30x 0.00344; 1000 Genomes Project 0.00399; gnomAD 0.00774 and 0.00803; TOPMed 0.00785; gnomAD exomes 0.01013.
gnomAD v4.1: 7,598 of 789,192 alleles (0.96%); highest among the groups gnomAD compares: Non-Finnish European, 1.3%; 56 homozygotes.

Submissions (2):

GeneDx
Classification: Likely benign. Last evaluated: 2018-06-14. Review status: criteria provided, single submitter. Criteria: GeneDx Variant Classification (06012015). Collection method: clinical testing. Allele origin: germline. Affected: yes.
Comment: This variant is considered likely benign or benign based on one or more of the following criteria: it is a conservative change, it occurs at a poorly conserved position in the protein, it is predicted to be benign by multiple in silico algorithms, and/or has population frequency not consistent with disease.

Breakthrough Genomics
Classification: Likely benign. Review status: criteria provided, single submitter. Criteria: ACMG Guidelines, 2015. Collection method: not provided. Allele origin: germline. Inheritance: Autosomal recessive inheritance. Affected: yes.

NM_007175.8(ERLIN2):c.425-114C>T

Gene: ERLIN2 (ER lipid raft associated 2; plus strand). Cytogenetic location: 8p11.23.
Variant type: single nucleotide variant.
Coding change: c.425-114C>T on transcript NM_007175.8 (MANE Select); 114 bases into the intron before coding-DNA position 425, C replaced by T.
Molecular consequence: intron variant.
Genome position (GRCh38, 1-based): chr8:37,749,445, C>T. VCF-style: chr8-37749445-C-T. GRCh37 (hg19) VCF-style: chr8-37606963-C-T.
Other names: c.425-114C>T (NM_001362878.2).
Identifiers: ClinVar variation 679568 (VCV000679568.2), dbSNP rs76072395, ClinGen allele CA175018801.
Genomic context (GRCh38, chr8:37,749,445, plus strand): 5'-AGGCTGCTTCAGAAGTTGGGCAGGGGATCTTTAGATTTGTGGGCTTTGATAAGCACACTC[C>T]CTTGGGAAAGTACATTCTTGAGCTGGTGATTGAGCTTGCACTTTACCTCATCCTGCCCTC-3'